The following is an entry in ClinVar:

NM_000083.3(CLCN1):c.1918del (p.Val640fs)

Gene: CLCN1 (chloride voltage-gated channel 1; plus strand). Cytogenetic location: 7q34.
Variant type: Deletion.
Coding change: c.1918del on transcript NM_000083.3 (MANE Select); coding-DNA position 1918, one base deleted (G; older notation c.1918delG).
Protein change: p.Val640fs; shifts the reading frame from valine 640.
Molecular consequence: frameshift variant. On other transcripts: non-coding transcript variant (1).
Genome position (GRCh38, 1-based): chr7:143,342,493, G deleted; the last of 2 consecutive G bases (chr7:143,342,492-143,342,493); deleting either gives the same sequence. VCF-style (leftmost placement, unchanged base first): chr7-143342491-TG-T. GRCh37 (hg19) VCF-style: chr7-143039584-TG-T.
Other names: c.1918del (NM_000083.2); short protein forms V640fs.
Identifiers: ClinVar variation 462826 (VCV000462826.8), dbSNP rs1554438574, ClinGen allele CA658657731.

ClinVar aggregate classification (germline): Pathogenic (1 of 4 stars; one submission).

Conditions:
Congenital myotonia, autosomal recessive form. Also called: myotonia congenita, autosomal recessive; BECKER DISEASE; Becker Generalized Myotonia. Identifiers: Orphanet 614, MedGen C0751360, MONDO:0009715, OMIM 255700.
Congenital myotonia, autosomal dominant form (THD). Also called: Myotonia congenita autosomal dominant; THOMSEN DISEASE. Identifiers: Orphanet 614, MedGen C2936781, MONDO:0008055, OMIM 160800.

Submission:

Labcorp Genetics (formerly Invitae), Labcorp
Classification: Pathogenic for Congenital myotonia, autosomal recessive form; Congenital myotonia, autosomal dominant form. Last evaluated: 2019-08-22. Review status: criteria provided, single submitter. Criteria: Invitae Variant Classification Sherloc (09022015). Collection method: clinical testing. Allele origin: germline.
Comment: For these reasons, this variant has been classified as Pathogenic. Loss-of-function variants in CLCN1 are known to be pathogenic (PMID: 17932099, 22094069, 23739125). This variant is not present in population databases (ExAC no frequency). This variant has not been reported in the literature in individuals with CLCN1-related conditions. ClinVar contains an entry for this variant (Variation ID: 462826). This sequence change creates a premature translational stop signal (p.Val640Leufs*7) in the CLCN1 gene. It is expected to result in an absent or disrupted protein product.

Literature cited by the submitters: PubMed 17932099; PubMed 22094069; PubMed 23739125.